The following is an entry in ClinVar:

ClinVar aggregate classification (germline): Uncertain significance. Review status: criteria provided, multiple submitters, no conflicts (2 of 4 stars). 2 submissions from 2 submitters: Uncertain significance (2). Last evaluated 2025-07-31.

Conditions:
Inborn genetic diseases. Identifiers: MedGen C0950123, MeSH D030342.

Submissions (2):

Ambry Genetics
Classification: Uncertain significance for Inborn genetic diseases. Last evaluated: 2025-07-31. Review status: criteria provided, single submitter. Criteria: Ambry Variant Classification Scheme 2023. Collection method: clinical testing. Allele origin: germline.

Labcorp Genetics (formerly Invitae), Labcorp
Classification: Uncertain significance. Last evaluated: 2022-08-10. Review status: criteria provided, single submitter. Criteria: Invitae Variant Classification Sherloc (09022015). Collection method: clinical testing. Allele origin: germline.
Comment: In summary, the available evidence is currently insufficient to determine the role of this variant in disease. Therefore, it has been classified as a Variant of Uncertain Significance. Algorithms developed to predict the effect of missense changes on protein structure and function (SIFT, PolyPhen-2, Align-GVGD) all suggest that this variant is likely to be disruptive. ClinVar contains an entry for this variant (Variation ID: 1428548). This variant has not been reported in the literature in individuals affected with SETBP1-related conditions. This variant is not present in population databases (gnomAD no frequency). This sequence change replaces serine, which is neutral and polar, with cysteine, which is neutral and slightly polar, at codon 847 of the SETBP1 protein (p.Ser847Cys).

NM_015559.3(SETBP1):c.2540C>G (p.Ser847Cys)

Gene: SETBP1 (SET binding protein 1; plus strand). Cytogenetic location: 18q12.3.
Variant type: single nucleotide variant.
Coding change: c.2540C>G on transcript NM_015559.3 (MANE Select); coding-DNA position 2540, C replaced by G.
Protein change: p.Ser847Cys; replaces serine 847 with cysteine.
Molecular consequence: missense variant.
Genome position (GRCh38, 1-based): chr18:44,951,880, C>G. VCF-style: chr18-44951880-C-G. GRCh37 (hg19) VCF-style: chr18-42531845-C-G.
Other names: c.2540C>G, p.Ser847Cys (NM_001379141.1, NM_001379142.1); c.2540C>G (NM_015559.2); short protein forms S847C.
Identifiers: ClinVar variation 1428548 (VCV001428548.7), dbSNP rs1485191703, ClinGen allele CA402321664.
Genomic context (GRCh38, chr18:44,951,880, plus strand): 5'-GGAAGCTGTCTCCACCCAGACTGATGGCCAACTCCCCTTCACACCTGTGCGAGATTGGCT[C>G]CCTAAAGGAAATCACGCTGTCCCCTGTGAGCGAGTCCCACAGTGAGGAGACGATCCCCAG-3'
Protein context (NP_056374.2, residues 837-857): NSPSHLCEIG[Ser847Cys]LKEITLSPVS